The following is an entry in ClinVar:

NM_004667.6(HERC2):c.6786+10C>T

Gene: HERC2 (HECT and RLD domain containing E3 ubiquitin protein ligase 2; minus strand). Cytogenetic location: 15q13.1.
Variant type: single nucleotide variant.
Coding change: c.6786+10C>T on transcript NM_004667.6 (MANE Select); 10 bases into the intron after coding-DNA position 6786, C replaced by T.
Molecular consequence: intron variant.
Genome position (GRCh38, 1-based): chr15:28,213,732, G>A on the plus strand (C>T on the coding strand, the complement: HERC2 is on the minus strand). VCF-style: chr15-28213732-G-A. GRCh37 (hg19) VCF-style: chr15-28458878-G-A.
Identifiers: ClinVar variation 4885893 (VCV004885893.2).
Genomic context (GRCh38, chr15:28,213,732, plus strand): 5'-TGCTGGTGCTCGGTTCTAGTGTAAAGTCAATTTCCCTTATCATGCAGTAACTAAGCACAA[G>A]TTCACCTACTGGTTTCAGCTGATTCAATGGGCAAACGCGACACGTCCGCATGTCAGAGAA-3'

ClinVar aggregate classification (germline): Uncertain significance (1 of 4 stars; one submission).

Submission:

Dasa
Classification: Uncertain significance. Last evaluated: 2025-01-28. Review status: criteria provided, single submitter. Criteria: DASA Assertion Criteria. Collection method: clinical testing. Allele origin: germline.
Comment: NM_004667.6(HERC2):c.6786+10C>T is a splice-region variant. This variant is absent from population databases. Computational prediction algorithms are consistent with a deleterious effect. The currently available literature and clinical evidence are not sufficient to establish a definitive association between this variant and the reported condition. Therefore, this variant is classified as a variant of uncertain significance.